The following is an entry in ClinVar:

NM_017739.4(POMGNT1):c.1927T>G (p.Phe643Val)

Genes: POMGNT1 (protein O-linked mannose N-acetylglucosaminyltransferase 1 (beta 1,2-); minus strand), TSPAN1 (tetraspanin 1; plus strand). Cytogenetic location: 1p34.1.
Variant type: single nucleotide variant.
Coding change: c.1927T>G on transcript NM_017739.4 (MANE Select); coding-DNA position 1927, T replaced by G.
Protein change: p.Phe643Val; replaces phenylalanine 643 with valine.
Molecular consequence: missense variant. On other transcripts: intron variant (1).
Genome position (GRCh38, 1-based): chr1:46,189,326, A>C on the plus strand (T>G on the coding strand, the complement: POMGNT1 is on the minus strand). VCF-style: chr1-46189326-A-C. GRCh37 (hg19) VCF-style: chr1-46654998-A-C.
Other names: c.1901T>G, p.Phe634Cys (NM_001243766.2); c.1861T>G, p.Phe621Val (NM_001290129.3); c.1498T>G, p.Phe500Val (NM_001290130.2); c.1895+132T>G (NM_001410783.1); short protein forms F643V, F634C, F621V, F500V.
Identifiers: ClinVar variation 289590 (VCV000289590.16), dbSNP rs199534074, ClinGen allele CA833186.

ClinVar aggregate classification (germline): Uncertain significance. Review status: criteria provided, multiple submitters, no conflicts (2 of 4 stars). 8 submissions from 5 submitters: Uncertain significance (7). 1 of the submissions does not count toward it. Last evaluated 2024-04-19.

Conditions:
Muscular dystrophy-dystroglycanopathy (congenital with brain and eye anomalies), type A3. Also called: Congenital muscular dystrophy-dystroglycanopathy with brain and eye anomalies, type A3; WALKER-WARBURG SYNDROME OR MUSCLE-EYE-BRAIN DISEASE, POMGNT1-RELATED; Muscular dystrophy-dystroglycanopathy (congenital with brain and eye anomalies), type A, 3. Identifiers: MedGen C3151519, MONDO:0009667, OMIM 253280.
Muscular dystrophy-dystroglycanopathy (congenital with impaired intellectual development), type B, 3. Also called: Muscular dystrophy-dystroglycanopathy (congenital with intellectual disability), type B3; MUSCULAR DYSTROPHY, CONGENITAL, POMGNT1-RELATED. Identifiers: MedGen C3150412, MONDO:0013155, OMIM 613151.
Retinitis pigmentosa 76 (RP76). Identifiers: MedGen C4310704, MONDO:0014929, OMIM 617123.
Autosomal recessive limb-girdle muscular dystrophy type 2O. Also called: MUSCULAR DYSTROPHY-DYSTROGLYCANOPATHY, LIMB-GIRDLE, POMGNT1-RELATED; Limb-Girdle Muscular Dystrophy Type 3C; MUSCULAR DYSTROPHY-DYSTROGLYCANOPATHY (LIMB-GIRDLE), TYPE C, 3. Identifiers: Orphanet 206564, MedGen C3150417, MONDO:0013161, OMIM 613157.
Muscle eye brain disease (MEB). Also called: Santavuori congenital muscular dystrophy. Identifiers: Orphanet 588, Orphanet 899, MedGen C0457133, MONDO:0018939.

Allele frequency attached by ClinVar (database versions not stated): gnomAD exomes 0.00002 and 0.00003; gnomAD 0.00004; TOPMed 0.00004; ExAC 0.00005.
gnomAD v4.1: 32 of 1,613,734 alleles (0.002%); highest among the groups gnomAD compares: Admixed American, 0.0067%; no homozygotes.

Submissions (8):

Blueprint Genetics
Classification: Uncertain significance. Last evaluated: 2024-04-19. Review status: criteria provided, single submitter. Criteria: ACMG Guidelines, 2015. Collection method: clinical testing. Allele origin: germline.

Labcorp Genetics (formerly Invitae), Labcorp
Classification: Uncertain significance for Autosomal recessive limb-girdle muscular dystrophy type 2O; Muscular dystrophy-dystroglycanopathy (congenital with impaired intellectual development), type B, 3. Last evaluated: 2022-07-25. Review status: criteria provided, single submitter. Criteria: Invitae Variant Classification Sherloc (09022015). Collection method: clinical testing. Allele origin: germline.
Comment: This sequence change replaces phenylalanine, which is neutral and non-polar, with valine, which is neutral and non-polar, at codon 643 of the POMGNT1 protein (p.Phe643Val). This variant is present in population databases (rs199534074, gnomAD 0.02%). This variant has not been reported in the literature in individuals affected with POMGNT1-related conditions. ClinVar contains an entry for this variant (Variation ID: 289590). Advanced modeling of protein sequence and biophysical properties (such as structural, functional, and spatial information, amino acid conservation, physicochemical variation, residue mobility, and thermodynamic stability) performed at Invitae indicates that this missense variant is not expected to disrupt POMGNT1 protein function. In summary, the available evidence is currently insufficient to determine the role of this variant in disease. Therefore, it has been classified as a Variant of Uncertain Significance.

Genome-Nilou Lab
Classification: Uncertain significance for Muscular dystrophy-dystroglycanopathy (congenital with brain and eye anomalies), type A3. Last evaluated: 2021-07-22. Review status: criteria provided, single submitter. Criteria: ACMG Guidelines, 2015. Collection method: clinical testing. Allele origin: germline. Affected: no.

Genome-Nilou Lab
Classification: Uncertain significance for Muscular dystrophy-dystroglycanopathy (congenital with impaired intellectual development), type B, 3. Last evaluated: 2021-07-22. Review status: criteria provided, single submitter. Criteria: ACMG Guidelines, 2015. Collection method: clinical testing. Allele origin: germline. Affected: no.

Genome-Nilou Lab
Classification: Uncertain significance for Autosomal recessive limb-girdle muscular dystrophy type 2O. Last evaluated: 2021-07-22. Review status: criteria provided, single submitter. Criteria: ACMG Guidelines, 2015. Collection method: clinical testing. Allele origin: germline. Affected: no.

Genome-Nilou Lab
Classification: Uncertain significance for Retinitis pigmentosa 76. Last evaluated: 2021-07-22. Review status: criteria provided, single submitter. Criteria: ACMG Guidelines, 2015. Collection method: clinical testing. Allele origin: germline. Affected: no.

Eurofins Ntd Llc (ga)
Classification: Uncertain significance. Last evaluated: 2016-07-29. Review status: criteria provided, single submitter. Criteria: EGL Classification Definitions 2015. Collection method: clinical testing. Allele origin: germline. Observed: 1 variant allele, 1 heterozygote.

Natera, Inc.
Classification: Uncertain significance for Muscle-eye-brain disease. Last evaluated: 2020-09-16. Review status: no assertion criteria provided. Collection method: clinical testing. Allele origin: germline. Not counted in ClinVar's aggregate classification.